The following is an entry in ClinVar:

NM_001199799.2(ILDR1):c.12C>G (p.Pro4=)

Gene: ILDR1 (immunoglobulin like domain containing receptor 1; minus strand). Cytogenetic location: 3q13.33.
Variant type: single nucleotide variant.
Coding change: c.12C>G on transcript NM_001199799.2 (MANE Select); coding-DNA position 12, C replaced by G.
Protein change: p.Pro4=; no amino-acid change (proline 4 retained).
Molecular consequence: synonymous variant.
Genome position (GRCh38, 1-based): chr3:122,022,066, G>C on the plus strand (C>G on the coding strand, the complement: ILDR1 is on the minus strand). VCF-style: chr3-122022066-G-C. GRCh37 (hg19) VCF-style: chr3-121740913-G-C.
Other names: c.12C>G, p.Pro4= (NM_001199800.2, NM_175924.4); c.12C>G (NM_001199799.1).
Identifiers: ClinVar variation 2893098 (VCV002893098.5), dbSNP rs369400454, ClinGen allele CA2569096.

ClinVar aggregate classification (germline): Likely benign. Review status: criteria provided, multiple submitters, no conflicts (2 of 4 stars). 3 submissions from 3 submitters: Likely benign (3). Last evaluated 2026-07-20.

Conditions:
ILDR1-related disorder. Also called: ILDR1-related condition.

Allele frequency attached by ClinVar (database versions not stated): ESP Exome Variant Server 0.00015.
gnomAD v4.1: 67 of 1,609,806 alleles (0.0042%); highest among the groups gnomAD compares: Non-Finnish European, 0.0056%; no homozygotes.

Submissions (3):

PreventionGenetics, part of Exact Sciences
Classification: Likely benign for ILDR1-related condition. Last evaluated: 2026-07-20. Review status: criteria provided, single submitter. Criteria: ACMG Guidelines, 2015. Collection method: clinical testing. Allele origin: germline.
Comment: This variant is classified as likely benign based on ACMG/AMP sequence variant interpretation guidelines (Richards et al. 2015 PMID: 25741868, with internal and published modifications).

Labcorp Genetics (formerly Invitae), Labcorp
Classification: Likely benign. Last evaluated: 2025-11-05. Review status: criteria provided, single submitter. Criteria: Invitae Variant Classification Sherloc (09022015). Collection method: clinical testing. Allele origin: germline.

Blueprint Genetics
Classification: Likely benign. Last evaluated: 2024-10-16. Review status: criteria provided, single submitter. Criteria: ACMG Guidelines, 2015. Collection method: clinical testing. Allele origin: germline.